The following is an entry in ClinVar:

NM_012330.4(KAT6B):c.5188G>A (p.Gly1730Arg)

Gene: KAT6B (lysine acetyltransferase 6B; plus strand). Cytogenetic location: 10q22.2.
Variant type: single nucleotide variant.
Coding change: c.5188G>A on transcript NM_012330.4 (MANE Select); coding-DNA position 5188, G replaced by A.
Protein change: p.Gly1730Arg; replaces glycine 1730 with arginine.
Molecular consequence: missense variant.
Genome position (GRCh38, 1-based): chr10:75,030,012, G>A. VCF-style: chr10-75030012-G-A. GRCh37 (hg19) VCF-style: chr10-76789770-G-A.
Other names: c.4639G>A, p.Gly1547Arg (NM_001256468.2, NM_001370138.1); c.4312G>A, p.Gly1438Arg (NM_001256469.2, NM_001370139.1, NM_001370140.1 and 2 more transcripts); c.4150G>A, p.Gly1384Arg (NM_001370132.1); c.3499G>A, p.Gly1167Arg (NM_001370133.1); c.3103G>A, p.Gly1035Arg (NM_001370134.1); c.2845G>A, p.Gly949Arg (NM_001370135.1); c.5188G>A, p.Gly1730Arg (NM_001370136.1, NM_001370137.1); c.4123G>A, p.Gly1375Arg (NM_001370143.1, NM_001370144.1); short protein forms G1035R, G1167R, G1375R, G1384R, G1438R, G1547R, G1730R, G949R.
Identifiers: ClinVar variation 2432971 (VCV002432971.6), dbSNP rs756953458, ClinGen allele CA5565148.

ClinVar aggregate classification (germline): Uncertain significance. Review status: criteria provided, multiple submitters, no conflicts (2 of 4 stars). 3 submissions from 3 submitters: Uncertain significance (3). Last evaluated 2024-12-18.

Conditions:
Genitopatellar syndrome (GTPTS). Also called: Genitopatellar syndrome (GPS); ABSENT PATELLAE, SCROTAL HYPOPLASIA, RENAL ANOMALIES, FACIAL DYSMORPHISM, AND MENTAL RETARDATION. Identifiers: Orphanet 85201, MedGen C1853566, MONDO:0011640, OMIM 606170.

Allele frequency attached by ClinVar (database versions not stated): gnomAD exomes 0.00001; ExAC 0.00002; gnomAD 0.00003; TOPMed 0.00003.
gnomAD v4.1: 19 of 1,614,018 alleles (0.0012%); highest among the groups gnomAD compares: Non-Finnish European, 0.0014%; no homozygotes.

Submissions (3):

Labcorp Genetics (formerly Invitae), Labcorp
Classification: Uncertain significance for Genitopatellar syndrome. Last evaluated: 2024-12-18. Review status: criteria provided, single submitter. Criteria: Invitae Variant Classification Sherloc (09022015). Collection method: clinical testing. Allele origin: germline.
Comment: This sequence change replaces glycine, which is neutral and non-polar, with arginine, which is basic and polar, at codon 1730 of the KAT6B protein (p.Gly1730Arg). This variant is present in population databases (rs756953458, gnomAD 0.003%). This variant has not been reported in the literature in individuals affected with KAT6B-related conditions. ClinVar contains an entry for this variant (Variation ID: 2432971). Invitae Evidence Modeling of protein sequence and biophysical properties (such as structural, functional, and spatial information, amino acid conservation, physicochemical variation, residue mobility, and thermodynamic stability) indicates that this missense variant is expected to disrupt KAT6B protein function with a positive predictive value of 80%. In summary, the available evidence is currently insufficient to determine the role of this variant in disease. Therefore, it has been classified as a Variant of Uncertain Significance.

Revvity Omics, Revvity
Classification: Uncertain significance. Last evaluated: 2022-03-29. Review status: criteria provided, single submitter. Criteria: ACMG Guidelines, 2015. Collection method: clinical testing. Allele origin: germline.

Breakthrough Genomics
Classification: Uncertain significance. Review status: criteria provided, single submitter. Criteria: ACMG Guidelines, 2015. Collection method: not provided. Allele origin: germline. Inheritance: Autosomal dominant inheritance. Affected: yes.